The following is an entry in ClinVar:

NM_000642.3(AGL):c.3227_3231del (p.Glu1076fs)

Gene: AGL (amylo-alpha-1,6-glucosidase and 4-alpha-glucanotransferase; plus strand). Cytogenetic location: 1p21.2.
Variant type: Microsatellite.
Coding change: c.3227_3231del on transcript NM_000642.3 (MANE Select); coding-DNA positions 3227 to 3231, 5 bases deleted (AAAAG; older notation c.3227_3231delAAAAG).
Protein change: p.Glu1076fs; shifts the reading frame from glutamic acid 1076.
Molecular consequence: frameshift variant.
Genome position (GRCh38, 1-based): chr1:99,892,575-99,892,579, AAAAG deleted; deleting any 5 consecutive bases within chr1:99,892,570-99,892,579 gives the same sequence; the c. name uses the placement nearest the transcript's 3' end. VCF-style (leftmost placement, unchanged base first): chr1-99892569-CAAAAG-C. GRCh37 (hg19) VCF-style: chr1-100358125-CAAAAG-C.
Other names: c.3227_3231delAAAAG (NM_000642.2); c.3222_3226AAAAG[1], p.Glu1076Glyfs (NM_000028.3, NM_000643.3, NM_000644.3 and 1 more transcripts); c.3174_3178AAAAG[1], p.Glu1060Glyfs (NM_000646.3); c.3201_3205AAAAG[1], p.Glu1069Glyfs (NM_001425326.1); c.3021_3025AAAAG[1], p.Glu1009Glyfs (NM_001425327.1); c.3018_3022AAAAG[1], p.Glu1008Glyfs (NM_001425328.1); c.2883_2887AAAAG[1], p.Glu963Glyfs (NM_001425329.1); c.2844_2848AAAAG[1], p.Glu950Glyfs (NM_001425332.1); short protein forms E1076fs, E1060fs.
Identifiers: ClinVar variation 2123738 (VCV002123738.5), dbSNP rs1652985519, ClinGen allele CA1183933748.

ClinVar aggregate classification (germline): Pathogenic/Likely pathogenic. Review status: criteria provided, multiple submitters, no conflicts (2 of 4 stars). 2 submissions from 2 submitters: Pathogenic (1); Likely pathogenic (1). Last evaluated 2025-01-20.

Conditions:
Glycogen storage disease type III (GSD3). Also called: Cori disease; FORBES DISEASE. Identifiers: Orphanet 366, MedGen C0017922, MONDO:0009291, OMIM 232400.

Submissions (2):

Natera, Inc.
Classification: Likely pathogenic for Glycogen storage disease type III. Last evaluated: 2025-01-20. Review status: criteria provided, single submitter. Criteria: Natera Variant Classification Schema (03/2026). Collection method: clinical testing. Allele origin: germline.
Comment: The c.3227_3231delAAAAG variant in AGL is a frameshift variant predicted to shift the reading frame beginning at codon 1076 and leads to a stop codon 31 codons downstream. This variant is expected to result in nonsense mediated decay, truncation, or a dysfunctional protein product. This variant is rare in the general population with a frequency below the threshold expected for the associated phenotype(s). Given the available evidence, this variant is classified as Likely Pathogenic.

Labcorp Genetics (formerly Invitae), Labcorp
Classification: Pathogenic for Glycogen storage disease type III. Last evaluated: 2022-04-09. Review status: criteria provided, single submitter. Criteria: Invitae Variant Classification Sherloc (09022015). Collection method: clinical testing. Allele origin: germline.
Comment: This variant has not been reported in the literature in individuals affected with AGL-related conditions. For these reasons, this variant has been classified as Pathogenic. This variant is not present in population databases (gnomAD no frequency). This sequence change creates a premature translational stop signal (p.Glu1076Glyfs*31) in the AGL gene. It is expected to result in an absent or disrupted protein product. Loss-of-function variants in AGL are known to be pathogenic (PMID: 19299494).

Literature cited by the submitters: PubMed 19299494 (cited by Labcorp Genetics (formerly Invitae), Labcorp).